The following is an entry in ClinVar:

NM_004525.3(LRP2):c.4999C>G (p.Arg1667Gly)

Gene: LRP2 (LDL receptor related protein 2; minus strand). Cytogenetic location: 2q31.1.
Variant type: single nucleotide variant.
Coding change: c.4999C>G on transcript NM_004525.3 (MANE Select); coding-DNA position 4999, C replaced by G.
Protein change: p.Arg1667Gly; replaces arginine 1667 with glycine.
Molecular consequence: missense variant.
Genome position (GRCh38, 1-based): chr2:169,233,510, G>C on the plus strand (C>G on the coding strand, the complement: LRP2 is on the minus strand). VCF-style: chr2-169233510-G-C. GRCh37 (hg19) VCF-style: chr2-170090020-G-C.
Other names: short protein forms R1667G.
Identifiers: ClinVar variation 1401085 (VCV001401085.5), dbSNP rs867941074, ClinGen allele CA59910967.

ClinVar aggregate classification (germline): Uncertain significance. Review status: criteria provided, multiple submitters, no conflicts (2 of 4 stars). 2 submissions from 2 submitters: Uncertain significance (2). Last evaluated 2024-12-02.

Conditions:
Donnai-Barrow syndrome. Also called: DBS/FOAR SYNDROME; FACIOOCULOACOUSTICORENAL SYNDROME. Identifiers: Orphanet 2143, MedGen C1857277, MONDO:0009104, OMIM 222448.

Allele frequency attached by ClinVar (database versions not stated): gnomAD exomes below 0.00001.
gnomAD v4.1: 4 of 1,613,894 alleles (0.00025%); highest among the groups gnomAD compares: Admixed American, 0.0017%; no homozygotes.

Submissions (2):

Labcorp Genetics (formerly Invitae), Labcorp
Classification: Uncertain significance. Last evaluated: 2024-12-02. Review status: criteria provided, single submitter. Criteria: Invitae Variant Classification Sherloc (09022015). Collection method: clinical testing. Allele origin: germline.
Comment: This sequence change replaces arginine, which is basic and polar, with glycine, which is neutral and non-polar, at codon 1667 of the LRP2 protein (p.Arg1667Gly). This variant is present in population databases (no rsID available, gnomAD 0.003%). This variant has not been reported in the literature in individuals affected with LRP2-related conditions. ClinVar contains an entry for this variant (Variation ID: 1401085). Invitae Evidence Modeling of protein sequence and biophysical properties (such as structural, functional, and spatial information, amino acid conservation, physicochemical variation, residue mobility, and thermodynamic stability) indicates that this missense variant is not expected to disrupt LRP2 protein function with a negative predictive value of 95%. In summary, the available evidence is currently insufficient to determine the role of this variant in disease. Therefore, it has been classified as a Variant of Uncertain Significance.

Fulgent Genetics
Classification: Uncertain significance for Donnai-Barrow syndrome. Last evaluated: 2022-02-08. Review status: criteria provided, single submitter. Criteria: ACMG Guidelines, 2015. Collection method: clinical testing. Allele origin: unknown.